The following is an entry in ClinVar:

NM_020894.4(UVSSA):c.1048-4G>A

Gene: UVSSA (UV stimulated scaffold protein A; plus strand). Cytogenetic location: 4p16.3.
Variant type: single nucleotide variant.
Coding change: c.1048-4G>A on transcript NM_020894.4 (MANE Select); 4 bases into the intron before coding-DNA position 1048, G replaced by A.
Molecular consequence: intron variant.
Genome position (GRCh38, 1-based): chr4:1,355,113, G>A. VCF-style: chr4-1355113-G-A. GRCh37 (hg19) VCF-style: chr4-1348901-G-A.
Other names: c.1048-4G>A (NM_001317935.2, NM_001317934.2).
Identifiers: ClinVar variation 719090 (VCV000719090.14), dbSNP rs181789486, ClinGen allele CA2805931.
Genomic context (GRCh38, chr4:1,355,113, plus strand): 5'-AGCAGGACAGCTTCCCAGGTCCTGCCCGGCCGGCCCCTGAGCTGTTCGCACCCCCGTTTC[G>A]CAGCGCTTCACCCGCGTCGGGACCCACGGTGGATGTTTAAAGCGTGCCATTGACCTGAAG-3'

ClinVar aggregate classification (germline): Benign/Likely benign. Review status: criteria provided, multiple submitters, no conflicts (2 of 4 stars). 4 submissions from 4 submitters: Benign (1); Likely benign (2). 1 of the submissions does not count toward it. Last evaluated 2025-12-01.

Conditions:
UVSSA-related disorder. Also called: UVSSA-related condition.

Allele frequency attached by ClinVar (database versions not stated): 1000 Genomes Project 0.00060; 1000 Genomes Project 30x 0.00062; ExAC 0.00160; gnomAD exomes 0.00164; TOPMed 0.00177; gnomAD 0.00200 and 0.00205; ESP Exome Variant Server 0.00308.
gnomAD v4.1: 5,058 of 1,613,410 alleles (0.31%); highest among the groups gnomAD compares: Non-Finnish European, 0.4%; 9 homozygotes.

Submissions (4):

CeGaT Center for Human Genetics Tuebingen
Classification: Likely benign. Last evaluated: 2025-12-01. Review status: criteria provided, single submitter. Criteria: CeGaT Center For Human Genetics Tuebingen Variant Classification Criteria Version 2. Collection method: clinical testing. Allele origin: germline. Affected: yes. Observed: 2 variant alleles.
Comment: UVSSA: BP4, BS2

Blueprint Genetics
Classification: Likely benign. Last evaluated: 2024-10-28. Review status: criteria provided, single submitter. Criteria: ACMG Guidelines, 2015. Collection method: clinical testing. Allele origin: germline.

Labcorp Genetics (formerly Invitae), Labcorp
Classification: Benign. Last evaluated: 2017-07-31. Review status: criteria provided, single submitter. Criteria: Invitae Variant Classification Sherloc (09022015). Collection method: clinical testing. Allele origin: germline.

PreventionGenetics, part of Exact Sciences
Classification: Likely benign for UVSSA-related condition. Last evaluated: 2020-04-16. Review status: no assertion criteria provided. Collection method: clinical testing. Allele origin: germline. Not counted in ClinVar's aggregate classification.
Comment: This variant is classified as likely benign based on ACMG/AMP sequence variant interpretation guidelines (Richards et al. 2015 PMID: 25741868, with internal and published modifications).